The following is an entry in ClinVar:

NM_144628.4(TBC1D20):c.59C>T (p.Ala20Val)

Genes: TBC1D20 (TBC1 domain family member 20; minus strand), LOC130065265 (ATAC-STARR-seq lymphoblastoid silent region 12577; plus strand). Cytogenetic location: 20p13.
Variant type: single nucleotide variant.
Coding change: c.59C>T on transcript NM_144628.4 (MANE Select); coding-DNA position 59, C replaced by T.
Protein change: p.Ala20Val; replaces alanine 20 with valine.
Molecular consequence: missense variant. On other transcripts: non-coding transcript variant (1).
Genome position (GRCh38, 1-based): chr20:462,347, G>A on the plus strand (C>T on the coding strand, the complement: TBC1D20 is on the minus strand). VCF-style: chr20-462347-G-A. GRCh37 (hg19) VCF-style: chr20-442991-G-A.
Other names: c.59C>T (NM_144628.2); short protein forms A20V.
Identifiers: ClinVar variation 1904220 (VCV001904220.6), dbSNP rs982092136, ClinGen allele CA310639365.

ClinVar aggregate classification (germline): Uncertain significance. Review status: criteria provided, multiple submitters, no conflicts (2 of 4 stars). 3 submissions from 3 submitters: Uncertain significance (3). Last evaluated 2025-03-28.

Conditions:
Inborn genetic diseases. Identifiers: MedGen C0950123, MeSH D030342.

Allele frequency attached by ClinVar (database versions not stated): gnomAD 0.00002; TOPMed 0.00003.
gnomAD v4.1: 71 of 1,306,174 alleles (0.0054%); highest among the groups gnomAD compares: Middle Eastern, 0.057%; no homozygotes.

Submissions (3):

Ambry Genetics
Classification: Uncertain significance for Inborn genetic diseases. Last evaluated: 2025-03-28. Review status: criteria provided, single submitter. Criteria: Ambry Variant Classification Scheme 2023. Collection method: clinical testing. Allele origin: germline.

Blueprint Genetics
Classification: Uncertain significance. Last evaluated: 2024-10-25. Review status: criteria provided, single submitter. Criteria: ACMG Guidelines, 2015. Collection method: clinical testing. Allele origin: germline.

Labcorp Genetics (formerly Invitae), Labcorp
Classification: Uncertain significance. Last evaluated: 2022-11-22. Review status: criteria provided, single submitter. Criteria: Invitae Variant Classification Sherloc (09022015). Collection method: clinical testing. Allele origin: germline.
Comment: This sequence change replaces alanine, which is neutral and non-polar, with valine, which is neutral and non-polar, at codon 20 of the TBC1D20 protein (p.Ala20Val). The frequency data for this variant in the population databases is considered unreliable, as metrics indicate poor data quality at this position in the gnomAD database. This variant has not been reported in the literature in individuals affected with TBC1D20-related conditions. Algorithms developed to predict the effect of missense changes on protein structure and function (SIFT, PolyPhen-2, Align-GVGD) all suggest that this variant is likely to be tolerated. In summary, the available evidence is currently insufficient to determine the role of this variant in disease. Therefore, it has been classified as a Variant of Uncertain Significance.